The following is an entry in ClinVar:

NC_000016.10:g.(?_13821951)_(13937868_?)dup

Gene: ERCC4 (ERCC excision repair 4, endonuclease catalytic subunit; plus strand). Cytogenetic location: 16p13.12.
Variant type: Duplication.
Identifiers: ClinVar variation 830517 (VCV000830517.6).

ClinVar aggregate classification (germline): Uncertain significance (1 of 4 stars; one submission).

Conditions:
Cockayne syndrome. Identifiers: Orphanet 191, MedGen C0009207, MONDO:0016006.
Xeroderma pigmentosum, group F (XPF). Also called: XERODERMA PIGMENTOSUM, COMPLEMENTATION GROUP F; XERODERMA PIGMENTOSUM, TYPE F; Xeroderma pigmentosum, type 6; ERCC4-Related Xeroderma Pigmentosum; XERODERMA PIGMENTOSUM VI; XP, GROUP F. Identifiers: MedGen C0268140, MONDO:0010215, OMIM 278760.
Fanconi anemia complementation group Q. Identifiers: Orphanet 84, MedGen C3808988, MONDO:0014108, OMIM 615272.

Submission:

Labcorp Genetics (formerly Invitae), Labcorp
Classification: Uncertain significance for Fanconi anemia complementation group Q; Xeroderma pigmentosum, group F; Cockayne syndrome. Last evaluated: 2019-08-03. Review status: criteria provided, single submitter. Criteria: Invitae Variant Classification Sherloc (09022015). Collection method: clinical testing. Allele origin: germline.
Comment: In summary, the available evidence is currently insufficient to determine the role of this variant in disease. Therefore, it has been classified as a Variant of Uncertain Significance. Experimental studies and prediction algorithms are not available or were not evaluated for this variant, and the functional significance of the affected amino acid(s) is currently unknown. This variant has not been reported in the literature in individuals with ERCC4-related conditions. This variant results in a copy number gain of the genomic region encompassing exons 1-9 of the ERCC4 gene, which includes the initiator codon. The 5' end of this event is unknown as it extends beyond the assayed region for this gene and therefore may encompass additional genes. The 3' boundary is likely confined to intron 9 of the ERCC4 gene. As the precise location of this event is unknown, it may be in tandem or it may be located elsewhere in the genome.